The following is an entry in ClinVar:

NM_182931.3(KMT2E):c.2720A>T (p.Asp907Val)

Gene: KMT2E (lysine methyltransferase 2E (inactive); plus strand). Cytogenetic location: 7q22.3.
Variant type: single nucleotide variant.
Coding change: c.2720A>T on transcript NM_182931.3 (MANE Select); coding-DNA position 2720, A replaced by T.
Protein change: p.Asp907Val; replaces aspartic acid 907 with valine.
Molecular consequence: missense variant.
Genome position (GRCh38, 1-based): chr7:105,106,645, A>T. VCF-style: chr7-105106645-A-T. GRCh37 (hg19) VCF-style: chr7-104747092-A-T.
Other names: c.2720A>T, p.Asp907Val (NM_018682.4); short protein forms D907V.
Identifiers: ClinVar variation 638176 (VCV000638176.3), dbSNP rs1584803942, ClinGen allele CA368787460.

ClinVar aggregate classification (germline): Likely pathogenic. Review status: criteria provided, single submitter (1 of 4 stars). 2 submissions from 2 submitters: Likely pathogenic (1). 1 of the submissions does not count toward it. Last evaluated 2019-02-07.

Conditions:
O'Donnell-Luria-Rodan syndrome (ODLURO). Also called: KMT2E-Related Neurodevelopmental Disorder. Identifiers: MedGen C5193138, MONDO:0032793, OMIM 618512.

Submissions (2):

Broad Center for Mendelian Genomics, Broad Institute of MIT and Harvard
Classification: Likely pathogenic. Last evaluated: 2019-02-07. Review status: criteria provided, single submitter. Criteria: ACMG Guidelines, 2015. Collection method: research. Allele origin: de novo. Inheritance: Autosomal dominant inheritance. Affected: yes.
Comment: Trio exome analysis showed this variant to be de novo. The p.Asp907Val variant in KMT2E has not been previously reported in individuals with intellectual disabilities or developmental delay and was absent from large population studies. In summary, although additional studies are required to fully establish its clinical significance, this variant is likely pathogenic.

OMIM
Classification: Pathogenic for O'DONNELL-LURIA-RODAN SYNDROME. Last evaluated: 2019-07-25. Review status: no assertion criteria provided. Collection method: literature only. Allele origin: germline. Not counted in ClinVar's aggregate classification.

Literature cited by the submitters: PubMed 31079897 (cited by OMIM).